The following is an entry in ClinVar:

NM_001563.4(IMPG1):c.469-2A>G

Gene: IMPG1 (interphotoreceptor matrix proteoglycan 1; minus strand). Cytogenetic location: 6q14.1.
Variant type: single nucleotide variant.
Coding change: c.469-2A>G on transcript NM_001563.4 (MANE Select); the canonical splice acceptor site of the intron before coding-DNA position 469, A replaced by G.
Molecular consequence: splice acceptor variant.
Genome position (GRCh38, 1-based): chr6:76,034,345, T>C on the plus strand (A>G on the coding strand, the complement: IMPG1 is on the minus strand). VCF-style: chr6-76034345-T-C. GRCh37 (hg19) VCF-style: chr6-76744062-T-C.
Other names: c.235-2A>G (NM_001282368.2).
Identifiers: ClinVar variation 4854605 (VCV004854605.1).

ClinVar aggregate classification (germline): Likely pathogenic (1 of 4 stars; one submission).

Conditions:
IMPG1-related disorder. Also called: IMPG1-related condition.

Submission:

3billion
Classification: Likely pathogenic for IMPG1-related disorder. Last evaluated: 2025-12-09. Review status: criteria provided, single submitter. Criteria: ACMG Guidelines, 2015. Collection method: clinical testing. Allele origin: germline. Affected: yes.
Comment: The variant is not observed in the gnomAD v4.1.0 dataset. Predicted Consequence/Location: Canonical splice site: predicted to alter splicing and result in a loss or disruption of normal protein function. Multiple pathogenic loss-of-function variants are reported downstream of the variant. In silico tools predict the variant to alter splicing and produce an abnormal transcript [SpliceAI: 0.91 (spliceogenicity >=0.2, non-spliceogenicity <0.1)]. Therefore, this variant is classified as Likely pathogenic according to the recommendation of ACMG/AMP guideline.